The following is an entry in ClinVar:

NM_182925.5(FLT4):c.1001G>C (p.Ser334Thr)

Gene: FLT4 (fms related receptor tyrosine kinase 4; minus strand). Cytogenetic location: 5q35.3.
Variant type: single nucleotide variant.
Coding change: c.1001G>C on transcript NM_182925.5 (MANE Select); coding-DNA position 1001, G replaced by C.
Protein change: p.Ser334Thr; replaces serine 334 with threonine.
Molecular consequence: missense variant.
Genome position (GRCh38, 1-based): chr5:180,628,984, C>G on the plus strand (G>C on the coding strand, the complement: FLT4 is on the minus strand). VCF-style: chr5-180628984-C-G. GRCh37 (hg19) VCF-style: chr5-180055984-C-G.
Other names: c.1001G>C, p.Ser334Thr (NM_001354989.2, NM_002020.5); short protein forms S334T.
Identifiers: ClinVar variation 4998752 (VCV004998752.1).

ClinVar aggregate classification (germline): Uncertain significance (1 of 4 stars; one submission).

Conditions:
FLT4-related disorder. Also called: FLT4-related condition.

Submission:

PreventionGenetics, part of Exact Sciences
Classification: Uncertain significance for FLT4-related condition. Last evaluated: 2025-06-25. Review status: criteria provided, single submitter. Criteria: ACMG Guidelines, 2015. Collection method: clinical testing. Allele origin: germline.
Comment: The FLT4 c.1001G>C variant is predicted to result in the amino acid substitution p.Ser334Thr. To our knowledge, this variant has not been reported in the literature or in a large population database (gnomAD), indicating this variant is rare. At this time, the clinical significance of this variant is uncertain due to the absence of conclusive functional and genetic evidence.